The following is an entry in ClinVar:

NM_001267550.2(TTN):c.46251_46252del (p.Lys15418fs)

Gene: TTN (titin; minus strand). Cytogenetic location: 2q31.2.
Variant type: Microsatellite.
Coding change: c.46251_46252del on transcript NM_001267550.2 (MANE Select); coding-DNA positions 46251 to 46252, 2 bases deleted (GA; older notation c.46251_46252delGA).
Protein change: p.Lys15418fs; shifts the reading frame from lysine 15418.
Molecular consequence: frameshift variant.
Genome position (GRCh38, 1-based): chr2:178,620,269-178,620,270, TC deleted on the plus strand (GA on the coding strand, the reverse complement: TTN is on the minus strand); deleting any 2 consecutive bases within chr2:178,620,269-178,620,275 gives the same sequence; the c. name uses the placement nearest the transcript's 3' end. VCF-style (leftmost placement, unchanged base first): chr2-178620268-TTC-T. GRCh37 (hg19) VCF-style: chr2-179484995-TTC-T.
Other names: c.41328_41329delGA (NM_001256850.1); c.41328_41329del, p.Lys13777fs (NM_001256850.1); c.19056_19057del, p.Lys6353fs (NM_003319.4); c.38547_38548del, p.Lys12850fs (NM_133378.4); c.19431_19432del, p.Lys6478fs (NM_133432.3); c.19632_19633del, p.Lys6545fs (NM_133437.4); short protein forms K12850fs, K13777fs, K15418fs, K6545fs, K6353fs, K6478fs.
Identifiers: ClinVar variation 202445 (VCV000202445.1), dbSNP rs794729318, ClinGen allele CA309405.

ClinVar aggregate classification (germline): Uncertain significance (1 of 4 stars; one submission).

Submission:

GeneDx
Classification: Uncertain significance. Last evaluated: 2014-07-01. Review status: criteria provided, single submitter. Criteria: GeneDx Variant Classification (06012015). Collection method: clinical testing. Allele origin: germline. Affected: yes.
Comment: c.41328_41329delGA: p.Lys13777SerfsX21 (K13777SfsX21) in exon 198 of the TTN gene (NM_001256850.1). The normal sequence with the bases that are deleted in braces is: GAGA{GA}AAGC.A variant of unknown significance has been identified in the TTN gene. The c.41328_41329delGA variant has not been published as a mutation or as a benign polymorphism to our knowledge. This variant causes a shift in reading frame starting at codon Lysine 13777, changing it to a Serine, and creating a premature stop codon at position 21 of the new reading frame, denoted p.Lys13777SerfsX21. This variant is expected to result in either an abnormal, truncated protein product or loss of protein from this allele through nonsense-mediated mRNA decay. However, truncating variants in the TTN gene have been reported in approximately 3% of reported control alleles (Herman D et al., 2012). Furthermore, c.41328_41329delGA is not located in the A-band region of titin, where the majority of truncating mutations associated with DCM have been reported (Herman D et al., 2012). Therefore, based on the currently available information, it is unclear whether this variant is a pathogenic mutation or a rare benign variant. The variant is found in CARDIOMYOPATHY panel(s).